The following is an entry in ClinVar:

ClinVar aggregate classification (germline): Likely pathogenic (1 of 4 stars; one submission).

Conditions:
Osteogenesis imperfecta type 8 (OI8). Identifiers: MedGen C1970458, MONDO:0012581, OMIM 610915.

Submission:

Labcorp Genetics (formerly Invitae), Labcorp
Classification: Likely pathogenic for Osteogenesis imperfecta type 8. Last evaluated: 2023-12-26. Review status: criteria provided, single submitter. Criteria: Invitae Variant Classification Sherloc (09022015). Collection method: clinical testing. Allele origin: germline.
Comment: This sequence change creates a premature translational stop signal (p.Ser726Argfs*3) in the P3H1 gene. While this is not anticipated to result in nonsense mediated decay, it is expected to disrupt the last 11 amino acid(s) of the P3H1 protein. This variant is not present in population databases (gnomAD no frequency). This variant has not been reported in the literature in individuals affected with P3H1-related conditions. This variant disrupts the KDEL domain (p.Lys733-p.Leu736) of the P3H1 protein that is required for the cellular retention and activity of certain types of proteins (PMID: 3545499). In summary, the currently available evidence indicates that the variant is pathogenic, but additional data are needed to prove that conclusively. Therefore, this variant has been classified as Likely Pathogenic.

Literature cited by the submitters: PubMed 3545499.

NM_022356.4(P3H1):c.2176_2177del (p.Ser726fs)

Gene: P3H1 (prolyl 3-hydroxylase 1; minus strand). Cytogenetic location: 1p34.2.
Variant type: Microsatellite.
Coding change: c.2176_2177del on transcript NM_022356.4 (MANE Select); coding-DNA positions 2176 to 2177, 2 bases deleted (TC; older notation c.2176_2177delTC).
Protein change: p.Ser726fs; shifts the reading frame from serine 726.
Molecular consequence: frameshift variant. On other transcripts: 3 prime UTR variant (2).
Genome position (GRCh38, 1-based): chr1:42,746,731-42,746,732, GA deleted on the plus strand (TC on the coding strand, the reverse complement: P3H1 is on the minus strand); deleting any 2 consecutive bases within chr1:42,746,731-42,746,738 gives the same sequence; the c. name uses the placement nearest the transcript's 3' end. VCF-style (leftmost placement, unchanged base first): chr1-42746730-TGA-T. GRCh37 (hg19) VCF-style: chr1-43212401-TGA-T.
Other names: c.*95TC[3] (NM_001146289.2); c.*174TC[3] (NM_001243246.2); short protein forms S726fs.
Identifiers: ClinVar variation 2827796 (VCV002827796.3), dbSNP rs1570452214, ClinGen allele CA645518020.
Genomic context (GRCh38, chr1:42,746,730, plus strand): 5'-TCACCCATCCGTCTGACCTGGACGCTGTCATAGCTCATCCTTGGGCTTCGATTCACTGCC[TGA>T]GAGAGACTCTTGTGCAGGTTCGGGGGGGCCCTGCTGGGCATCCAGGGGCTGCTCCTGGGA-3'